The following is an entry in ClinVar:

ClinVar aggregate classification (germline): Uncertain significance. Review status: criteria provided, multiple submitters, no conflicts (2 of 4 stars). 5 submissions from 5 submitters: Uncertain significance (5). Last evaluated 2025-07-09.

Conditions:
Cardiovascular phenotype. Identifiers: MedGen CN230736.
Dilated cardiomyopathy 1O (CMD1O). Also called: CARDIOMYOPATHY, DILATED, WITH VENTRICULAR TACHYCARDIA. Identifiers: Orphanet 154, MedGen C1837839, MONDO:0012062, OMIM 608569.
Atrial fibrillation, familial, 12 (ATFB12). Identifiers: MedGen C3279695, MONDO:0013545, OMIM 614050.
Intellectual disability and myopathy syndrome (IDMYS). Identifiers: MedGen C5676904, MONDO:0859224, OMIM 619719.
Hypertrichotic osteochondrodysplasia Cantu type. Also called: Cantu Syndrome; Cantú Syndrome. Identifiers: Orphanet 1517, MedGen C0795905, MONDO:0009406, OMIM 239850.

Allele frequency attached by ClinVar (database versions not stated): ExAC 0.00001; gnomAD exomes 0.00001 and 0.00002; gnomAD 0.00003 and 0.00004; TOPMed 0.00003; ESP Exome Variant Server 0.00015.
gnomAD v4.1: 27 of 1,613,782 alleles (0.0017%); highest among the groups gnomAD compares: African/African-American, 0.012%; no homozygotes.

Submissions (5):

Labcorp Genetics (formerly Invitae), Labcorp
Classification: Uncertain significance for Dilated cardiomyopathy 1O. Last evaluated: 2025-07-09. Review status: criteria provided, single submitter. Criteria: Invitae Variant Classification Sherloc (09022015). Collection method: clinical testing. Allele origin: germline.
Comment: This sequence change replaces valine, which is neutral and non-polar, with isoleucine, which is neutral and non-polar, at codon 867 of the ABCC9 protein (p.Val867Ile). This variant is present in population databases (rs376754153, gnomAD 0.01%). This missense change has been observed in individual(s) with dilated cardiomyopathy (PMID: 31983221). ClinVar contains an entry for this variant (Variation ID: 410821). Invitae Evidence Modeling of protein sequence and biophysical properties (such as structural, functional, and spatial information, amino acid conservation, physicochemical variation, residue mobility, and thermodynamic stability) has been performed for this missense variant. However, the output from this modeling did not meet the statistical confidence thresholds required to predict the impact of this variant on ABCC9 protein function. In summary, the available evidence is currently insufficient to determine the role of this variant in disease. Therefore, it has been classified as a Variant of Uncertain Significance.

Ambry Genetics
Classification: Uncertain significance for Cardiovascular phenotype. Last evaluated: 2023-12-21. Review status: criteria provided, single submitter. Criteria: Ambry Variant Classification Scheme 2023. Collection method: clinical testing. Allele origin: germline.
Comment: The p.V867I variant (also known as c.2599G>A), located in coding exon 21 of the ABCC9 gene, results from a G to A substitution at nucleotide position 2599. The valine at codon 867 is replaced by isoleucine, an amino acid with highly similar properties. This alteration has been reported in a dilated cardiomyopathy (DCM) cohort (Mazzarotto F et al. Circulation, 2020 Feb;141:387-398). This amino acid position is highly conserved in available vertebrate species. In addition, the in silico prediction for this alteration is inconclusive. Since supporting evidence is limited at this time, the clinical significance of this alteration remains unclear.

Fulgent Genetics
Classification: Uncertain significance for Hypertrichotic osteochondrodysplasia Cantu type; Dilated cardiomyopathy 1O; Atrial fibrillation, familial, 12; Intellectual disability and myopathy syndrome. Last evaluated: 2022-02-23. Review status: criteria provided, single submitter. Criteria: ACMG Guidelines, 2015. Collection method: clinical testing. Allele origin: unknown.

GeneDx
Classification: Uncertain significance. Last evaluated: 2019-05-06. Review status: criteria provided, single submitter. Criteria: GeneDx Variant Classification Process June 2021. Collection method: clinical testing. Allele origin: germline. Affected: yes.
Comment: Has not been previously published as pathogenic or benign to our knowledge; Not observed at a significant frequency in large population cohorts (Lek et al., 2016); In silico analysis, which includes protein predictors and evolutionary conservation, supports that this variant does not alter protein structure/function; This variant is associated with the following publications: (PMID: 31983221)

ARUP Laboratories, Molecular Genetics and Genomics, ARUP Laboratories
Classification: Uncertain significance. Last evaluated: 2017-08-18. Review status: criteria provided, single submitter. Criteria: ARUP Molecular Germline Variant Investigation Process. Collection method: clinical testing. Allele origin: germline.
Comment: The c.2599G>A; p.Val867Ile variant (rs376754153) has not been reported in the medical literature nor has it been previously identified by our laboratory. This variant is listed in the Genome Aggregation Database (gnomAD) with an overall population frequency of 0.002 percent (identified on 5 out of 276,842 chromosomes), and is reported to the ClinVar database as a variant of uncertain significance (Variation ID: 410821). The valine at position 867 is moderately conserved considering 12 species (Alamut v2.9.0) and computational analyses of the effects of the p.Val867Ile variant on protein structure and function indicates conflicting results (SIFT: tolerated, MutationTaster: disease causing, PolyPhen-2: benign). Altogether, there is not enough evidence to classify the p.Val867Ile variant with certainty.

Literature cited by the submitters: PubMed 31983221 (cited by Labcorp Genetics (formerly Invitae), Labcorp and Ambry Genetics).

NM_020297.4(ABCC9):c.2599G>A (p.Val867Ile)

Gene: ABCC9 (ATP binding cassette subfamily C member 9; minus strand). Cytogenetic location: 12p12.1.
Variant type: single nucleotide variant.
Coding change: c.2599G>A on transcript NM_020297.4 (MANE Select); coding-DNA position 2599, G replaced by A.
Protein change: p.Val867Ile; replaces valine 867 with isoleucine.
Molecular consequence: missense variant.
Genome position (GRCh38, 1-based): chr12:21,852,412, C>T on the plus strand (G>A on the coding strand, the complement: ABCC9 is on the minus strand). VCF-style: chr12-21852412-C-T. GRCh37 (hg19) VCF-style: chr12-22005346-C-T.
Other names: c.2599G>A, p.Val867Ile (NM_001377273.1, NM_005691.4); c.1732G>A, p.Val578Ile (NM_001377274.1); c.2599G>A (NM_020297.2, NM_005691.2); short protein forms V867I, V578I.
Identifiers: ClinVar variation 410821 (VCV000410821.19), dbSNP rs376754153, ClinGen allele CA6481332.
Genomic context (GRCh38, chr12:21,852,412, plus strand): 5'-TCTTCTAAACTCTTACCCAGTCAGCATGCGTCAGATACTGTAATTTGTGAGTCACAAGAA[C>T]GAGTGTCCTTTTGTCATCTTGCAGGAATTTCAAAATCCCCTCCTGCATTAAATGATCACT-3'
Protein context (NP_064693.2, residues 857-877): KFLQDDKRTL[Val867Ile]LVTHKLQYLT